The following is an entry in ClinVar:

NM_145239.3(PRRT2):c.500C>G (p.Thr167Ser)

Genes: MVP-DT (MVP divergent transcript; minus strand), PRRT2 (proline rich transmembrane protein 2; plus strand). Cytogenetic location: 16p11.2.
Variant type: single nucleotide variant.
Coding change: c.500C>G on transcript NM_145239.3 (MANE Select); coding-DNA position 500, C replaced by G.
Protein change: p.Thr167Ser; replaces threonine 167 with serine.
Molecular consequence: missense variant.
Genome position (GRCh38, 1-based): chr16:29,813,554, C>G. VCF-style: chr16-29813554-C-G. GRCh37 (hg19) VCF-style: chr16-29824875-C-G.
Other names: c.500C>G, p.Thr167Ser (NM_001256442.2, NM_001256443.2); short protein forms T167S.
Identifiers: ClinVar variation 3343499 (VCV003343499.1).

ClinVar aggregate classification (germline): Uncertain significance (1 of 4 stars; one submission).

Submission:

GeneDx
Classification: Uncertain significance. Last evaluated: 2023-05-31. Review status: criteria provided, single submitter. Criteria: GeneDx Variant Classification Process June 2021. Collection method: clinical testing. Allele origin: germline. Affected: yes.
Comment: Not observed at significant frequency in large population cohorts (gnomAD); In silico analysis supports that this missense variant does not alter protein structure/function; Has not been previously published as pathogenic or benign to our knowledge